The following is an entry in ClinVar:

NM_000969.5(RPL5):c.517A>G (p.Ile173Val)

Genes: DIPK1A (divergent protein kinase domain 1A; minus strand), RPL5 (ribosomal protein L5; plus strand). Cytogenetic location: 1p22.1.
Variant type: single nucleotide variant.
Coding change: c.517A>G on transcript NM_000969.5 (MANE Select); coding-DNA position 517, A replaced by G.
Protein change: p.Ile173Val; replaces isoleucine 173 with valine.
Molecular consequence: missense variant. On other transcripts: intron variant (1), non-coding transcript variant (1).
Genome position (GRCh38, 1-based): chr1:92,836,382, A>G. VCF-style: chr1-92836382-A-G. GRCh37 (hg19) VCF-style: chr1-93301939-A-G.
Other names: c.475-3348T>C (NM_001252273.2); short protein forms I173V.
Identifiers: ClinVar variation 1445254 (VCV001445254.9), dbSNP rs754245145, ClinGen allele CA952471.

ClinVar aggregate classification (germline): Uncertain significance. Review status: criteria provided, multiple submitters, no conflicts (2 of 4 stars). 2 submissions from 2 submitters: Uncertain significance (2). Last evaluated 2026-01-17.

Conditions:
Diamond-Blackfan anemia. Also called: Blackfan Diamond syndrome; Aregenerative anemia chronic congenital; Red cell aplasia, pure hereditary; Congenital hypoplastic anemia; Aase syndrome. Identifiers: Orphanet 124, MedGen C1260899, MeSH D029503, MONDO:0015253, HP:0004810.
Diamond-Blackfan anemia 6 (DBA6). Also called: RPL5-Related Diamond-Blackfan Anemia. Identifiers: Orphanet 124, MedGen C2931850, MONDO:0012937, OMIM 612561.

Allele frequency attached by ClinVar (database versions not stated): gnomAD exomes 0.00003 and 0.00004; ExAC 0.00002; TOPMed 0.00006; gnomAD 0.00003.
gnomAD v4.1: 54 of 1,614,014 alleles (0.0033%); highest among the groups gnomAD compares: African/African-American, 0.004%; no homozygotes.

Submissions (2):

Labcorp Genetics (formerly Invitae), Labcorp
Classification: Uncertain significance for Diamond-Blackfan anemia. Last evaluated: 2026-01-17. Review status: criteria provided, single submitter. Criteria: Invitae Variant Classification Sherloc (09022015). Collection method: clinical testing. Allele origin: germline.
Comment: This sequence change replaces isoleucine, which is neutral and non-polar, with valine, which is neutral and non-polar, at codon 173 of the RPL5 protein (p.Ile173Val). This variant is present in population databases (rs754245145, gnomAD 0.01%). This variant has not been reported in the literature in individuals affected with RPL5-related conditions. ClinVar contains an entry for this variant (Variation ID: 1445254). Invitae Evidence Modeling of protein sequence and biophysical properties (such as structural, functional, and spatial information, amino acid conservation, physicochemical variation, residue mobility, and thermodynamic stability) indicates that this missense variant is not expected to disrupt RPL5 protein function with a negative predictive value of 80%. In summary, the available evidence is currently insufficient to determine the role of this variant in disease. Therefore, it has been classified as a Variant of Uncertain Significance.

Fulgent Genetics
Classification: Uncertain significance for Diamond-Blackfan anemia 6. Last evaluated: 2022-04-15. Review status: criteria provided, single submitter. Criteria: ACMG Guidelines, 2015. Collection method: clinical testing. Allele origin: unknown.